The following is an entry in ClinVar:

ClinVar aggregate classification (germline): Likely benign (1 of 4 stars; one submission).

Allele frequency attached by ClinVar (database versions not stated): gnomAD 0.00001; gnomAD exomes 0.00001; TOPMed 0.00002; ExAC 0.00003; ESP Exome Variant Server 0.00008.
gnomAD v4.1: 15 of 1,613,496 alleles (0.00093%); highest among the groups gnomAD compares: African/African-American, 0.0053%; no homozygotes.

Submission:

CeGaT Center for Human Genetics Tuebingen
Classification: Likely benign. Last evaluated: 2023-06-01. Review status: criteria provided, single submitter. Criteria: CeGaT Center For Human Genetics Tuebingen Variant Classification Criteria Version 2. Collection method: clinical testing. Allele origin: germline. Affected: yes. Observed: 2 variant alleles.
Comment: CERT1: BP4, BP7

NM_001379029.1(CERT1):c.1074C>G (p.Ala358=)

Gene: CERT1 (ceramide transporter 1; minus strand). Cytogenetic location: 5q13.3.
Variant type: single nucleotide variant.
Coding change: c.1074C>G on transcript NM_001379029.1 (MANE Select); coding-DNA position 1074, C replaced by G.
Protein change: p.Ala358=; no amino-acid change (alanine 358 retained).
Molecular consequence: synonymous variant.
Genome position (GRCh38, 1-based): chr5:75,400,241, G>C on the plus strand (C>G on the coding strand, the complement: CERT1 is on the minus strand). VCF-style: chr5-75400241-G-C. GRCh37 (hg19) VCF-style: chr5-74696066-G-C.
Other names: c.1458C>G, p.Ala486= (NM_001130105.1); c.1074C>G, p.Ala358= (NM_001379002.1, NM_001379003.1, NM_001379004.1 and 2 more transcripts).
Identifiers: ClinVar variation 1298996 (VCV001298996.35), dbSNP rs374870769, ClinGen allele CA3309122.